The following is an entry in ClinVar:

NM_001040125.2(SLC66A1):c.618+1G>A

Gene: SLC66A1 (solute carrier family 66 member 1; plus strand). Cytogenetic location: 1p36.13.
Variant type: single nucleotide variant.
Coding change: c.618+1G>A on transcript NM_001040125.2 (MANE Select); the canonical splice donor site of the intron after coding-DNA position 618, G replaced by A.
Molecular consequence: splice donor variant.
Genome position (GRCh38, 1-based): chr1:19,326,624, G>A. VCF-style: chr1-19326624-G-A. GRCh37 (hg19) VCF-style: chr1-19653118-G-A.
Other names: c.618+1G>A (NM_017765.3); c.423+1G>A (NM_001040126.2); c.285+1G>A (NM_001287531.2).
Identifiers: ClinVar variation 4751936 (VCV004751936.1).

ClinVar aggregate classification (germline): Pathogenic (1 of 4 stars; one submission).

Submission:

Labcorp Genetics (formerly Invitae), Labcorp
Classification: Pathogenic. Last evaluated: 2025-12-05. Review status: criteria provided, single submitter. Criteria: Invitae Variant Classification Sherloc (09022015). Collection method: clinical testing. Allele origin: germline.
Comment: This sequence change affects a donor splice site in intron 6 of the SLC66A1 gene. It is expected to disrupt RNA splicing. Variants that disrupt the donor or acceptor splice site typically lead to a loss of protein function (PMID: 16199547), and loss-of-function variants in SLC66A1 are known to be pathogenic (PMID:39669628) This variant is present in population databases (rs770339016, gnomAD 0.006%). Disruption of this splice site has been observed in individual(s) with retinitis pigmentosa (internal data). In at least one individual the data is consistent with being in trans (on the opposite chromosome) from a pathogenic variant. Algorithms developed to predict the effect of sequence changes on RNA splicing suggest that this variant may disrupt the consensus splice site. For these reasons, this variant has been classified as Pathogenic.

Literature cited by the submitters: PubMed 16199547; PubMed 39669628.